The following is an entry in ClinVar:

ClinVar aggregate classification (germline): Likely pathogenic (1 of 4 stars; one submission).

Conditions:
Dermatitis, atopic, 2. Identifiers: MedGen C1853965, MONDO:0011596, OMIM 605803.
Ichthyosis vulgaris. Also called: Dominant ichthyosis vulgaris; ICHTHYOSIS SIMPLEX. Identifiers: MedGen C0079584, MONDO:0024304, OMIM 146700.

Submission:

Juno Genomics, Hangzhou Juno Genomics, Inc
Classification: Likely pathogenic for Dermatitis, atopic, 2; Ichthyosis vulgaris. Review status: criteria provided, single submitter. Criteria: ACMG Guidelines, 2015. Collection method: clinical testing. Allele origin: germline.
Comment: Absent from controls (or at extremely low frequency if recessive) in Genome Aggregation Database.;Null variant in a gene where loss of function (LOF) is a known mechanism of disease.;Patient's phenotype or family history is highly specific for a disease with a single genetic etiology.

NM_002016.2(FLG):c.2955del (p.Arg986fs)

Genes: CCDST (cervical cancer associated DHX9 suppressive transcript; plus strand), FLG (filaggrin; minus strand). Cytogenetic location: 1q21.3.
Variant type: Deletion.
Coding change: c.2955del on transcript NM_002016.2 (MANE Select); coding-DNA position 2955, one base deleted (C; older notation c.2955delC).
Protein change: p.Arg986fs; shifts the reading frame from arginine 986.
Molecular consequence: frameshift variant.
Genome position (GRCh38, 1-based): chr1:152,311,931, G deleted on the plus strand (C on the coding strand, the reverse complement: FLG is on the minus strand); the first of 4 consecutive G bases (chr1:152,311,931-152,311,934); deleting any one gives the same sequence. VCF-style (leftmost placement, unchanged base first): chr1-152311930-TG-T. GRCh37 (hg19) VCF-style: chr1-152284406-TG-T.
Other names: short protein forms R986fs.
Identifiers: ClinVar variation 3392482 (VCV003392482.3).